The following is an entry in ClinVar:

NM_001008537.3(NEXMIF):c.712G>T (p.Ala238Ser)

Gene: NEXMIF (neurite extension and migration factor; minus strand). Cytogenetic location: Xq13.3.
Variant type: single nucleotide variant.
Coding change: c.712G>T on transcript NM_001008537.3 (MANE Select); coding-DNA position 712, G replaced by T.
Protein change: p.Ala238Ser; replaces alanine 238 with serine.
Molecular consequence: missense variant.
Genome position (GRCh38, 1-based): chrX:74,743,845, C>A on the plus strand (G>T on the coding strand, the complement: NEXMIF is on the minus strand). VCF-style: chrX-74743845-C-A. GRCh37 (hg19) VCF-style: chrX-73963680-C-A.
Other names: short protein forms A238S.
Identifiers: ClinVar variation 3878953 (VCV003878953.2).

ClinVar aggregate classification (germline): Uncertain significance. Review status: criteria provided, multiple submitters, no conflicts (2 of 4 stars). 2 submissions from 2 submitters: Uncertain significance (2). Last evaluated 2025-02-13.

Submissions (2):

Greenwood Genetic Center Diagnostic Laboratories, Greenwood Genetic Center
Classification: Uncertain significance. Last evaluated: 2025-02-13. Review status: criteria provided, single submitter. Criteria: ACMG Guidelines, 2015. Collection method: clinical testing. Allele origin: germline.
Comment: PM2, BP4

Ambry Genetics
Classification: Uncertain significance. Last evaluated: 2025-02-02. Review status: criteria provided, single submitter. Criteria: Ambry Variant Classification Scheme 2023. Collection method: clinical testing. Allele origin: germline.